The following is an entry in ClinVar:

ClinVar aggregate classification (germline): Conflicting classifications of pathogenicity. Review status: criteria provided, conflicting classifications (1 of 4 stars). 2 submissions from 2 submitters: Likely pathogenic (1); Uncertain significance (1). Last evaluated 2023-12-25.

gnomAD v4.1: 9 of 1,613,990 alleles (0.00056%); highest among the groups gnomAD compares: Non-Finnish European, 0.00076%; no homozygotes.

Submissions (2):

Labcorp Genetics (formerly Invitae), Labcorp
Classification: Uncertain significance. Last evaluated: 2023-12-25. Review status: criteria provided, single submitter. Criteria: Invitae Variant Classification Sherloc (09022015). Collection method: clinical testing. Allele origin: germline.
Comment: This sequence change replaces arginine, which is basic and polar, with histidine, which is basic and polar, at codon 187 of the CAMK2B protein (p.Arg187His). This variant is not present in population databases (gnomAD no frequency). This variant has not been reported in the literature in individuals affected with CAMK2B-related conditions. ClinVar contains an entry for this variant (Variation ID: 2504863). An algorithm developed to predict the effect of missense changes on protein structure and function (PolyPhen-2) suggests that this variant is likely to be disruptive. In summary, the available evidence is currently insufficient to determine the role of this variant in disease. Therefore, it has been classified as a Variant of Uncertain Significance.

GeneDx
Classification: Likely pathogenic. Last evaluated: 2023-06-06. Review status: criteria provided, single submitter. Criteria: GeneDx Variant Classification Process June 2021. Collection method: clinical testing. Allele origin: germline. Affected: yes.
Comment: Not observed at significant frequency in large population cohorts (gnomAD); In silico analysis supports that this missense variant has a deleterious effect on protein structure/function; Has not been previously published as pathogenic or benign to our knowledge

NM_001220.5(CAMK2B):c.560G>A (p.Arg187His)

Gene: CAMK2B (calcium/calmodulin dependent protein kinase II beta; minus strand). Cytogenetic location: 7p13.
Variant type: single nucleotide variant.
Coding change: c.560G>A on transcript NM_001220.5 (MANE Select); coding-DNA position 560, G replaced by A.
Protein change: p.Arg187His; replaces arginine 187 with histidine.
Molecular consequence: missense variant.
Genome position (GRCh38, 1-based): chr7:44,243,291, C>T on the plus strand (G>A on the coding strand, the complement: CAMK2B is on the minus strand). VCF-style: chr7-44243291-C-T. GRCh37 (hg19) VCF-style: chr7-44282890-C-T.
Other names: c.560G>A, p.Arg187His (NM_001293170.2, NM_172078.3, NM_172079.3 and 5 more transcripts); short protein forms R187H.
Identifiers: ClinVar variation 2504863 (VCV002504863.4), dbSNP rs2486086588, ClinGen allele CA367365701.